The following is an entry in ClinVar:

ClinVar aggregate classification (germline): Pathogenic (1 of 4 stars; one submission).

Submission:

Labcorp Genetics (formerly Invitae), Labcorp
Classification: Pathogenic. Last evaluated: 2022-10-29. Review status: criteria provided, single submitter. Criteria: Invitae Variant Classification Sherloc (09022015). Collection method: clinical testing. Allele origin: germline.
Comment: This variant has not been reported in the literature in individuals affected with SLC4A1-related conditions. For these reasons, this variant has been classified as Pathogenic. This variant is not present in population databases (gnomAD no frequency). This sequence change creates a premature translational stop signal (p.Ser657Phefs*5) in the SLC4A1 gene. It is expected to result in an absent or disrupted protein product. Loss-of-function variants in SLC4A1 are known to be pathogenic (PMID: 8943874, 10926824, 23255290).

Literature cited by the submitters: PubMed 8943874; PubMed 10926824; PubMed 23255290.

NM_000342.4(SLC4A1):c.1970_1976del (p.Ser657fs)

Gene: SLC4A1 (solute carrier family 4 member 1 (Diego blood group); minus strand). Cytogenetic location: 17q21.31.
Variant type: Deletion.
Coding change: c.1970_1976del on transcript NM_000342.4 (MANE Select); coding-DNA positions 1970 to 1976, 7 bases deleted (CCGAGTT; older notation c.1970_1976delCCGAGTT).
Protein change: p.Ser657fs; shifts the reading frame from serine 657.
Molecular consequence: frameshift variant.
Genome position (GRCh38, 1-based): chr17:44,254,577-44,254,583, AACTCGG deleted on the plus strand (CCGAGTT on the coding strand, the reverse complement: SLC4A1 is on the minus strand); deleting any 7 consecutive bases within chr17:44,254,577-44,254,586 gives the same sequence; the c. name uses the placement nearest the transcript's 3' end. VCF-style (leftmost placement, unchanged base first): chr17-44254576-AAACTCGG-A. GRCh37 (hg19) VCF-style: chr17-42331944-AAACTCGG-A.
Other names: short protein forms S657fs.
Identifiers: ClinVar variation 2810623 (VCV002810623.3), dbSNP rs2509962553, ClinGen allele CA2739267570.